The following is an entry in ClinVar:

ClinVar aggregate classification (germline): Uncertain significance (1 of 4 stars; one submission).

Conditions:
Hereditary pancreatitis (PCTT). Also called: Hereditary chronic pancreatitis; PRSS1-Related Hereditary Pancreatitis. Identifiers: Orphanet 676, MedGen C0238339, MONDO:0008185, OMIM 167800.

gnomAD v4.1: 2 of 1,613,934 alleles (0.00012%); highest among the groups gnomAD compares: African/African-American, 0.0027%; no homozygotes.

Submission:

Ambry Genetics
Classification: Uncertain significance for Hereditary pancreatitis. Last evaluated: 2024-11-22. Review status: criteria provided, single submitter. Criteria: Ambry Variant Classification Scheme 2023. Collection method: clinical testing. Allele origin: germline.
Comment: The p.G165V variant (also known as c.494G>T), located in coding exon 5 of the CPA1 gene, results from a G to T substitution at nucleotide position 494. The glycine at codon 165 is replaced by valine, an amino acid with dissimilar properties. This amino acid position is conserved. In addition, the in silico prediction for this alteration is inconclusive. Based on the available evidence, the clinical significance of this variant remains unclear.

NM_001868.4(CPA1):c.494G>T (p.Gly165Val)

Gene: CPA1 (carboxypeptidase A1; plus strand). Cytogenetic location: 7q32.2.
Variant type: single nucleotide variant.
Coding change: c.494G>T on transcript NM_001868.4 (MANE Select); coding-DNA position 494, G replaced by T.
Protein change: p.Gly165Val; replaces glycine 165 with valine.
Molecular consequence: missense variant.
Genome position (GRCh38, 1-based): chr7:130,383,401, G>T. VCF-style: chr7-130383401-G-T. GRCh37 (hg19) VCF-style: chr7-130023242-G-T.
Other names: short protein forms G165V.
Identifiers: ClinVar variation 3496170 (VCV003496170.1).